The following is an entry in ClinVar:

NM_000484.4(APP):c.298C>T (p.Arg100Trp)

Gene: APP (amyloid beta precursor protein; minus strand). Cytogenetic location: 21q21.3.
Variant type: single nucleotide variant.
Coding change: c.298C>T on transcript NM_000484.4 (MANE Select); coding-DNA position 298, C replaced by T.
Protein change: p.Arg100Trp; replaces arginine 100 with tryptophan.
Molecular consequence: missense variant.
Genome position (GRCh38, 1-based): chr21:26,090,000, G>A on the plus strand (C>T on the coding strand, the complement: APP is on the minus strand). VCF-style: chr21-26090000-G-A. GRCh37 (hg19) VCF-style: chr21-27462316-G-A.
Other names: c.283C>T, p.Arg95Trp (NM_001136016.3); c.130C>T, p.Arg44Trp (NM_001136129.3, NM_001136130.3); c.193C>T, p.Arg65Trp (NM_001136131.3); c.298C>T, p.Arg100Trp (NM_001204301.2, NM_001204302.2, NM_001204303.2 and 3 more transcripts); short protein forms R44W, R65W, R100W, R95W.
Identifiers: ClinVar variation 657080 (VCV000657080.9), dbSNP rs200347552, ClinGen allele CA9987702.

ClinVar aggregate classification (germline): Uncertain significance (1 of 4 stars; one submission).

Conditions:
Alzheimer disease. Also called: Alzheimer's disease; Presenile and senile dementia. Identifiers: Orphanet 1020, MedGen C0002395, MeSH D000544, MONDO:0004975, HP:0002511.

Allele frequency attached by ClinVar (database versions not stated): gnomAD exomes 0.00001 and 0.00002; TOPMed 0.00001; ExAC 0.00002; gnomAD 0.00002 and 0.00004.
gnomAD v4.1: 24 of 1,614,048 alleles (0.0015%); highest among the groups gnomAD compares: South Asian, 0.0022%; no homozygotes.

Submission:

Labcorp Genetics (formerly Invitae), Labcorp
Classification: Uncertain significance for Alzheimer disease. Last evaluated: 2025-05-25. Review status: criteria provided, single submitter. Criteria: Invitae Variant Classification Sherloc (09022015). Collection method: clinical testing. Allele origin: germline.
Comment: This sequence change replaces arginine, which is basic and polar, with tryptophan, which is neutral and slightly polar, at codon 100 of the APP protein (p.Arg100Trp). This variant is present in population databases (rs200347552, gnomAD 0.003%). This variant has not been reported in the literature in individuals affected with APP-related conditions. ClinVar contains an entry for this variant (Variation ID: 657080). Invitae Evidence Modeling of protein sequence and biophysical properties (such as structural, functional, and spatial information, amino acid conservation, physicochemical variation, residue mobility, and thermodynamic stability) indicates that this missense variant is not expected to disrupt APP protein function with a negative predictive value of 95%. In summary, the available evidence is currently insufficient to determine the role of this variant in disease. Therefore, it has been classified as a Variant of Uncertain Significance.